The following is an entry in ClinVar:

ClinVar aggregate classification (germline): Uncertain significance (1 of 4 stars; one submission).

Conditions:
Spastic paraplegia. Identifiers: MedGen C0037772, HP:0001258.

Allele frequency attached by ClinVar (database versions not stated): gnomAD exomes below 0.00001; TOPMed below 0.00001.
gnomAD v4.1: 2 of 1,614,016 alleles (0.00012%); highest among the groups gnomAD compares: Admixed American, 0.0017%; no homozygotes.

Submission:

Labcorp Genetics (formerly Invitae), Labcorp
Classification: Uncertain significance for Spastic paraplegia. Last evaluated: 2022-02-20. Review status: criteria provided, single submitter. Criteria: Invitae Variant Classification Sherloc (09022015). Collection method: clinical testing. Allele origin: germline.
Comment: This sequence change replaces lysine, which is basic and polar, with glutamic acid, which is acidic and polar, at codon 3784 of the SACS protein (p.Lys3784Glu). This variant is present in population databases (no rsID available, gnomAD 0.003%). This variant has not been reported in the literature in individuals affected with SACS-related conditions. Advanced modeling of protein sequence and biophysical properties (such as structural, functional, and spatial information, amino acid conservation, physicochemical variation, residue mobility, and thermodynamic stability) performed at Invitae indicates that this missense variant is not expected to disrupt SACS protein function. In summary, the available evidence is currently insufficient to determine the role of this variant in disease. Therefore, it has been classified as a Variant of Uncertain Significance.

NM_014363.6(SACS):c.11350A>G (p.Lys3784Glu)

Gene: SACS (sacsin molecular chaperone; minus strand). Cytogenetic location: 13q12.12.
Variant type: single nucleotide variant.
Coding change: c.11350A>G on transcript NM_014363.6 (MANE Select); coding-DNA position 11350, A replaced by G.
Protein change: p.Lys3784Glu; replaces lysine 3784 with glutamic acid.
Molecular consequence: missense variant.
Genome position (GRCh38, 1-based): chr13:23,332,526, T>C on the plus strand (A>G on the coding strand, the complement: SACS is on the minus strand). VCF-style: chr13-23332526-T-C. GRCh37 (hg19) VCF-style: chr13-23906665-T-C.
Other names: c.10909A>G, p.Lys3637Glu (NM_001278055.2); short protein forms K3637E, K3784E.
Identifiers: ClinVar variation 2100438 (VCV002100438.1), dbSNP rs1397088396, ClinGen allele CA387510180.